The following is an entry in ClinVar:

NM_000059.4(BRCA2):c.1442_1449del (p.Ile481fs)

Gene: BRCA2 (BRCA2 DNA repair associated; plus strand). Cytogenetic location: 13q13.1.
Variant type: Deletion.
Coding change: c.1442_1449del on transcript NM_000059.4 (MANE Select); coding-DNA positions 1442 to 1449, 8 bases deleted (TTCTTGCA; older notation c.1442_1449delTTCTTGCA).
Protein change: p.Ile481fs; shifts the reading frame from isoleucine 481.
Molecular consequence: frameshift variant. On other transcripts: non-coding transcript variant (1), intron variant (1).
Genome position (GRCh38, 1-based): chr13:32,332,920-32,332,927, TTCTTGCA deleted; deleting any 8 consecutive bases within chr13:32,332,916-32,332,927 gives the same sequence; the c. name uses the placement nearest the transcript's 3' end. VCF-style (leftmost placement, unchanged base first): chr13-32332915-CTGCATTCT-C. GRCh37 (hg19) VCF-style: chr13-32907052-CTGCATTCT-C.
Other names: c.1442_1449del, p.Ile481fs (NM_001406719.1, NM_001406720.1, NM_001406721.1); c.424+1890_424+1897del (NM_001406722.1); short protein forms I481fs.
Identifiers: ClinVar variation 2674563 (VCV002674563.1), dbSNP rs2548520270, ClinGen allele CA2695199250.

ClinVar aggregate classification (germline): Pathogenic (1 of 4 stars; one submission).

Conditions:
Breast-ovarian cancer, familial, susceptibility to, 2 (BROVCA2). Also called: BRCA2 Hereditary Breast and Ovarian Cancer. Identifiers: Orphanet 145, MedGen C2675520, MONDO:0012933, OMIM 612555. Disease mechanism: loss of function.

Submission:

Myriad Genetics, Inc.
Classification: Pathogenic for Breast-ovarian cancer, familial, susceptibility to, 2. Last evaluated: 2023-09-26. Review status: criteria provided, single submitter. Criteria: Myriad Autosomal Dominant, Autosomal Recessive and X-Linked Classification Criteria (2023). Collection method: clinical testing. Allele origin: unknown.
Comment: This variant is considered pathogenic. This variant creates a frameshift predicted to result in premature protein truncation.